The following is an entry in ClinVar:

NM_080424.4(SP110):c.334T>C (p.Trp112Arg)

Genes: SP110 (SP110 nuclear body protein; minus strand), SP140 (SP140 nuclear body protein; plus strand). Cytogenetic location: 2q37.1.
Variant type: single nucleotide variant.
Coding change: c.334T>C on transcript NM_080424.4 (MANE Select); coding-DNA position 334, T replaced by C.
Protein change: p.Trp112Arg; replaces tryptophan 112 with arginine.
Molecular consequence: missense variant. On other transcripts: no sequence alteration (1).
Genome position (GRCh38, 1-based): chr2:230,213,010, A>G on the plus strand (T>C on the coding strand, the complement: SP110 is on the minus strand). VCF-style: chr2-230213010-A-G. GRCh37 (hg19) VCF-style: chr2-231077725-A-G.
Other names: p.Trp112Arg; c.334T>C (NM_080424.2, NM_004509.4); c.352T>C, p.Trp118Arg (NM_001185015.2, NM_001378442.1, NM_001378444.1 and 2 more transcripts); c.334T>C, p.Trp112Arg (NM_001378443.1, NM_001378447.1, NM_004509.5 and 1 more transcripts); short protein forms W118R, W112R.
Identifiers: ClinVar variation 403465 (VCV000403465.20), dbSNP rs1129411, ClinGen allele CA2154852.
Genomic context (GRCh38, chr2:230,213,010, plus strand): 5'-AGCTTCCTTCTGCTAGGCCAGTTGGGGCTTCAAGTAGGATTGGTGTGTCTCTGCTCTGCC[A>G]TTCATAGGAAGCACCAACTGGGATTGGTGAAGGGACACACATCAGTACCCTGGAGACTCA-3'
Protein context (NP_536349.3, residues 102-122): SFKRVGASYE[Trp112Arg]QSRDTPILLE

ClinVar aggregate classification (germline): Benign/Likely benign. Review status: criteria provided, multiple submitters, no conflicts (2 of 4 stars). 7 submissions from 7 submitters: Benign (6); Likely benign (1). Last evaluated 2026-02-04.

Conditions:
Hepatic veno-occlusive disease-immunodeficiency syndrome. Also called: Hepatic Veno-Occlusive Disease with Immunodeficiency. Identifiers: Orphanet 79124, MedGen C1856128, MONDO:0009338, OMIM 235550. Disease mechanism: loss of function.

Allele frequency attached by ClinVar (database versions not stated): 1000 Genomes Project 30x 0.94956; 1000 Genomes Project 0.95108; gnomAD exomes 0.88785 and 0.90999; ExAC 0.90907; ESP Exome Variant Server 0.91481; gnomAD 0.91532 and 0.91683; TOPMed 0.92226.
gnomAD v4.1: 1,437,799 of 1,613,738 alleles (89%); highest among the groups gnomAD compares: East Asian, 100%; 641,644 homozygotes.

Submissions (7):

Labcorp Genetics (formerly Invitae), Labcorp
Classification: Benign for Hepatic veno-occlusive disease-immunodeficiency syndrome. Last evaluated: 2026-02-04. Review status: criteria provided, single submitter. Criteria: Invitae Variant Classification Sherloc (09022015). Collection method: clinical testing. Allele origin: germline.

Blueprint Genetics
Classification: Likely benign. Last evaluated: 2024-11-26. Review status: criteria provided, single submitter. Criteria: ACMG Guidelines, 2015. Collection method: clinical testing. Allele origin: germline.

Unidad de Genómica Garrahan, Hospital de Pediatría Garrahan
Classification: Benign. Last evaluated: 2024-01-24. Review status: criteria provided, single submitter. Criteria: ACMG Guidelines, 2015. Collection method: clinical testing. Allele origin: germline. Affected: no. Observed: 94 variant alleles.
Comment: This variant is classified as Benign based on local population frequency. This variant was detected in 99% of patients studied by a panel of primary immunodeficiencies. Number of patients: 94. Only high quality variants are reported.

Mayo Clinic Laboratories, Mayo Clinic
Classification: Benign. Last evaluated: 2022-09-06. Review status: criteria provided, single submitter. Criteria: ACMG Guidelines, 2015. Collection method: clinical testing. Allele origin: germline. Observed: 5 variant alleles.

Genome-Nilou Lab
Classification: Benign for Hepatic veno-occlusive disease-immunodeficiency syndrome. Last evaluated: 2021-07-15. Review status: criteria provided, single submitter. Criteria: ACMG Guidelines, 2015. Collection method: clinical testing. Allele origin: germline. Affected: no.

Laboratory for Molecular Medicine, Mass General Brigham Personalized Medicine
Classification: Benign. Last evaluated: 2016-03-29. Review status: criteria provided, single submitter. Criteria: LMM Criteria. Collection method: clinical testing. Allele origin: germline.
Comment: Variant identified in a genome or exome case(s) and assessed due to predicted null impact of the variant or pathogenic assertions in the literature or databases. Disclaimer: This variant has not undergone full assessment. The following are preliminary notes: Frequency

Breakthrough Genomics
Classification: Benign. Review status: criteria provided, single submitter. Criteria: ACMG Guidelines, 2015. Collection method: not provided. Allele origin: germline. Inheritance: Autosomal recessive inheritance. Affected: yes.